The following is an entry in ClinVar:

ClinVar aggregate classification (germline): other (0 of 4 stars; one submission).

Conditions:
Familial colorectal cancer. Identifiers: MedGen CN280943, MONDO:0023113. Disease mechanism: loss of function.

Submission:

Systems Biology Platform Zhejiang California International NanoSystems Institute
Classification: other for Familial colorectal cancer. Review status: no assertion criteria provided. Collection method: not provided. Allele origin: unknown.
ClinVar note: Converted during submission from cancer to other.

NM_000038.6(APC):c.1312+369C>A

Gene: APC (APC regulator of WNT signaling pathway; plus strand). Cytogenetic location: 5q22.2.
Variant type: single nucleotide variant.
Coding change: c.1312+369C>A on transcript NM_000038.6 (MANE Select); 369 bases into the intron after coding-DNA position 1312, C replaced by A.
Molecular consequence: intron variant.
Genome position (GRCh38, 1-based): chr5:112,819,713, C>A. VCF-style: chr5-112819713-C-A. GRCh37 (hg19) VCF-style: chr5-112155410-C-A.
Other names: c.1312+369C>A (NM_001354895.2, NM_001127510.3, NM_001354896.2); c.1342+369C>A (NM_001354897.2); c.1039+369C>A (NM_001354902.2); c.1258+369C>A (NM_001127511.3); c.1237+369C>A (NM_001354898.2); c.934+369C>A (NM_001354904.2); c.463+369C>A (NM_001354906.2); c.1009+369C>A (NM_001354903.2); and 3 more.
Identifiers: ClinVar variation 83126 (VCV000083126.2), dbSNP rs74736032, ClinGen allele CA004204.
Genomic context (GRCh38, chr5:112,819,713, plus strand): 5'-GCTGAAGCTCATTTCATAGATGAAAGTGACTTTACGTAAGTTCCTATAGCCATTAGTGTC[C>A]AAACCATAATCTTTTACATTTGCATATCATTATATTCAGGGGATACAGAGCAGCGTTACA-3'